The following is an entry in ClinVar:

ClinVar aggregate classification (germline): Conflicting classifications of pathogenicity. Review status: criteria provided, conflicting classifications (1 of 4 stars). 3 submissions from 3 submitters: Uncertain significance (1); Likely benign (2). Last evaluated 2025-09-03.

Conditions:
TCOF1-related disorder. Also called: TCOF1-related condition.
Treacher Collins syndrome 1 (TCS1). Also called: TCOF1-Related Treacher Collins Syndrome. Identifiers: Orphanet 861, MedGen CN315775, MONDO:0007944, OMIM 154500.
Inborn genetic diseases. Identifiers: MedGen C0950123, MeSH D030342.

Allele frequency attached by ClinVar (database versions not stated): TOPMed 0.00001; gnomAD exomes 0.00004 and 0.00011; ExAC 0.00008.
gnomAD v4.1: 62 of 1,613,982 alleles (0.0038%); highest among the groups gnomAD compares: South Asian, 0.056%; no homozygotes.

Submissions (3):

PreventionGenetics, part of Exact Sciences
Classification: Likely benign for TCOF1-related condition. Last evaluated: 2025-09-03. Review status: criteria provided, single submitter. Criteria: ACMG Guidelines, 2015. Collection method: clinical testing. Allele origin: germline.
Comment: This variant is classified as likely benign based on ACMG/AMP sequence variant interpretation guidelines (Richards et al. 2015 PMID: 25741868, with internal and published modifications).

Labcorp Genetics (formerly Invitae), Labcorp
Classification: Likely benign for Treacher Collins syndrome 1. Last evaluated: 2025-02-09. Review status: criteria provided, single submitter. Criteria: Invitae Variant Classification Sherloc (09022015). Collection method: clinical testing. Allele origin: germline.

Ambry Genetics
Classification: Uncertain significance for Inborn genetic diseases. Last evaluated: 2021-10-12. Review status: criteria provided, single submitter. Criteria: Ambry Variant Classification Scheme 2023. Collection method: clinical testing. Allele origin: germline.

NM_001371623.1(TCOF1):c.1322C>T (p.Ala441Val)

Gene: TCOF1 (treacle ribosome biogenesis factor 1; plus strand). Cytogenetic location: 5q32.
Variant type: single nucleotide variant.
Coding change: c.1322C>T on transcript NM_001371623.1 (MANE Select); coding-DNA position 1322, C replaced by T.
Protein change: p.Ala441Val; replaces alanine 441 with valine.
Molecular consequence: missense variant.
Genome position (GRCh38, 1-based): chr5:150,374,997, C>T. VCF-style: chr5-150374997-C-T. GRCh37 (hg19) VCF-style: chr5-149754560-C-T.
Other names: c.1091C>T, p.Ala364Val (NM_000356.4, NM_001135245.2); c.1322C>T, p.Ala441Val (NM_001008657.3, NM_001135243.2, NM_001135244.2 and 1 more transcripts); c.1322C>T (NM_001135243.1); short protein forms A364V, A441V.
Identifiers: ClinVar variation 1597028 (VCV001597028.10), dbSNP rs540402926, ClinGen allele CA3510837.